The following is an entry in ClinVar:

NM_006939.4(SOS2):c.1429C>T (p.Arg477Trp)

Gene: SOS2 (SOS Ras/Rho guanine nucleotide exchange factor 2; minus strand). Cytogenetic location: 14q21.3.
Variant type: single nucleotide variant.
Coding change: c.1429C>T on transcript NM_006939.4 (MANE Select); coding-DNA position 1429, C replaced by T.
Protein change: p.Arg477Trp; replaces arginine 477 with tryptophan.
Molecular consequence: missense variant.
Genome position (GRCh38, 1-based): chr14:50,159,854, G>A on the plus strand (C>T on the coding strand, the complement: SOS2 is on the minus strand). VCF-style: chr14-50159854-G-A. GRCh37 (hg19) VCF-style: chr14-50626572-G-A.
Other names: short protein forms R477W.
Identifiers: ClinVar variation 520415 (VCV000520415.11), dbSNP rs1555370121, ClinGen allele CA389645801.

ClinVar aggregate classification (germline): Uncertain significance. Review status: criteria provided, multiple submitters, no conflicts (2 of 4 stars). 5 submissions from 5 submitters: Uncertain significance (5). Last evaluated 2023-09-24.

Conditions:
Cardiovascular phenotype. Identifiers: MedGen CN230736.
Noonan syndrome 9 (NS9). Identifiers: Orphanet 648, MedGen C4225282, MONDO:0014691, OMIM 616559.

Allele frequency attached by ClinVar (database versions not stated): gnomAD exomes below 0.00001.
gnomAD v4.1: 3 of 1,614,050 alleles (0.00019%); highest among the groups gnomAD compares: Non-Finnish European, 0.00025%; no homozygotes.

Submissions (5):

Ambry Genetics
Classification: Uncertain significance for Cardiovascular phenotype. Last evaluated: 2023-09-24. Review status: criteria provided, single submitter. Criteria: Ambry Variant Classification Scheme 2023. Collection method: clinical testing. Allele origin: germline.
Comment: The p.R477W variant (also known as c.1429C>T), located in coding exon 10 of the SOS2 gene, results from a C to T substitution at nucleotide position 1429. The arginine at codon 477 is replaced by tryptophan, an amino acid with dissimilar properties. This amino acid position is conserved. In addition, the in silico prediction for this alteration is inconclusive. Since supporting evidence is limited at this time, the clinical significance of this alteration remains unclear.

Labcorp Genetics (formerly Invitae), Labcorp
Classification: Uncertain significance for Noonan syndrome 9. Last evaluated: 2021-08-15. Review status: criteria provided, single submitter. Criteria: Invitae Variant Classification Sherloc (09022015). Collection method: clinical testing. Allele origin: germline.
Comment: In summary, the available evidence is currently insufficient to determine the role of this variant in disease. Therefore, it has been classified as a Variant of Uncertain Significance. Advanced modeling of protein sequence and biophysical properties (such as structural, functional, and spatial information, amino acid conservation, physicochemical variation, residue mobility, and thermodynamic stability) performed at Invitae indicates that this missense variant is expected to disrupt SOS2 protein function. ClinVar contains an entry for this variant (Variation ID: 520415). This variant has not been reported in the literature in individuals affected with SOS2-related conditions. This variant is not present in population databases (ExAC no frequency). This sequence change replaces arginine with tryptophan at codon 477 of the SOS2 protein (p.Arg477Trp). The arginine residue is moderately conserved and there is a moderate physicochemical difference between arginine and tryptophan.

Women's Health and Genetics/Laboratory Corporation of America, LabCorp
Classification: Uncertain significance. Last evaluated: 2021-02-08. Review status: criteria provided, single submitter. Criteria: LabCorp Variant Classification Summary - May 2015. Collection method: clinical testing. Allele origin: germline.
Comment: Variant summary: SOS2 c.1429C>T (p.Arg477Trp) results in a non-conservative amino acid change located in the Pleckstrin homology domain of the encoded protein sequence. Five of five in-silico tools predict a damaging effect of the variant on protein function. The variant allele was found at a frequency of 4e-06 in 251384 control chromosomes (gnomAD). The available data on variant occurrences in the general population are insufficient to allow any conclusion about variant significance. To our knowledge, no occurrence of c.1429C>T in individuals affected with Noonan Syndrome And Related Conditions and no experimental evidence demonstrating its impact on protein function have been reported. One ClinVar submitter (evaluation after 2014) cites the variant as uncertain significance. Based on the evidence outlined above, the variant was classified as uncertain significance.

MVZ Martinsried, Medicover Genetics
Classification: Uncertain significance for Noonan syndrome 9. Last evaluated: 2017-12-22. Review status: criteria provided, single submitter. Criteria: ACMG Guidelines, 2015. Collection method: clinical testing. Allele origin: unknown. Affected: yes.

Genome-Nilou Lab
Classification: Uncertain significance for Noonan syndrome 9. Review status: criteria provided, single submitter. Criteria: ACMG Guidelines, 2015. Collection method: clinical testing. Allele origin: germline.